The following is an entry in ClinVar:

ClinVar aggregate classification (germline): Conflicting classifications of pathogenicity. Review status: criteria provided, conflicting classifications (1 of 4 stars). 2 submissions from 2 submitters: Uncertain significance (1); Likely benign (1). Last evaluated 2025-12-17.

Conditions:
Multiple endocrine neoplasia, type 2 (MEN2). Identifiers: Orphanet 653, MedGen C4048306, MONDO:0019003. Disease mechanism: gain of function.
Hereditary cancer-predisposing syndrome. Also called: Neoplastic Syndromes, Hereditary; Tumor predisposition; Hereditary neoplastic syndrome; Hereditary Cancer Syndrome. Identifiers: Orphanet 140162, MedGen C0027672, MeSH D009386, MONDO:0015356.

Submissions (2):

Labcorp Genetics (formerly Invitae), Labcorp
Classification: Uncertain significance for Multiple endocrine neoplasia, type 2. Last evaluated: 2025-12-17. Review status: criteria provided, single submitter. Criteria: Invitae Variant Classification Sherloc (09022015). Collection method: clinical testing. Allele origin: germline.
Comment: This sequence change replaces alanine, which is neutral and non-polar, with glutamic acid, which is acidic and polar, at codon 432 of the RET protein (p.Ala432Glu). This variant is present in population databases (no rsID available, gnomAD 0.001%). This missense change has been observed in individual(s) with congenital central hypoventilation syndrome (PMID: 14566559). ClinVar contains an entry for this variant (Variation ID: 643435). An algorithm developed to predict the effect of missense changes on protein structure and function outputs the following: PolyPhen-2: "Benign". The glutamic acid amino acid residue is found in multiple mammalian species, which suggests that this missense change does not adversely affect protein function. In summary, the available evidence is currently insufficient to determine the role of this variant in disease. Therefore, it has been classified as a Variant of Uncertain Significance.

Ambry Genetics
Classification: Likely benign for Hereditary cancer-predisposing syndrome. Last evaluated: 2020-09-25. Review status: criteria provided, single submitter. Criteria: Ambry Variant Classification Scheme 2023. Collection method: clinical testing. Allele origin: germline.

Literature cited by the submitters: PubMed 14566559 (cited by Labcorp Genetics (formerly Invitae), Labcorp).

NM_020975.6(RET):c.1295_1296delinsAG (p.Ala432Glu)

Gene: RET (ret proto-oncogene; plus strand). Cytogenetic location: 10q11.21.
Variant type: Indel.
Coding change: c.1295_1296delinsAG on transcript NM_020975.6 (MANE Select); coding-DNA positions 1295 to 1296, CA replaced by AG.
Protein change: p.Ala432Glu; replaces alanine 432 with glutamic acid.
Molecular consequence: missense variant.
Genome position (GRCh38, 1-based): chr10:43,111,238-43,111,239, CA replaced by AG. VCF-style: chr10-43111238-CA-AG. GRCh37 (hg19) VCF-style: chr10-43606686-CA-AG.
Other names: c.1295_1296delCAinsAG, p.Ala432Glu (NM_000323.2, NM_001406743.1, NM_001406744.1 and 6 more transcripts); c.533_534delCAinsAG, p.Ala178Glu (NM_001355216.2); c.1166_1167delCAinsAG, p.Ala389Glu (NM_001406761.1, NM_001406762.1, NM_001406764.1 and 1 more transcripts); c.1007_1008delCAinsAG, p.Ala336Glu (NM_001406766.1, NM_001406767.1, NM_001406770.1); c.899_900delCAinsAG, p.Ala300Glu (NM_001406769.1, NM_001406772.1); c.857_858delCAinsAG, p.Ala286Glu (NM_001406771.1, NM_001406773.1); c.770_771delCAinsAG, p.Ala257Glu (NM_001406774.1); c.569_570delCAinsAG, p.Ala190Glu (NM_001406775.1, NM_001406776.1, NM_001406777.1 and 1 more transcripts); and 1 more; short protein forms A178E, A432E, A102E, A286E, A336E, A257E, A300E, A389E.
Identifiers: ClinVar variation 643435 (VCV000643435.9), dbSNP rs386743165, ClinGen allele CA915945897.